The following is an entry in ClinVar:

ClinVar aggregate classification (germline): Likely pathogenic (1 of 4 stars; one submission).

Conditions:
Kleefstra syndrome 2 (KLEFS2). Identifiers: MedGen C4540395, MONDO:0054701, OMIM 617768.

Submission:

3billion
Classification: Likely pathogenic for Kleefstra syndrome 2. Last evaluated: 2024-11-15. Review status: criteria provided, single submitter. Criteria: ACMG Guidelines, 2015. Collection method: clinical testing. Allele origin: germline. Affected: yes.
Comment: The variant is not observed in the gnomAD v4.1.0 dataset. Predicted Consequence/Location: Frameshift: predicted to result in a loss or disruption of normal protein function through nonsense-mediated decay (NMD) or protein truncation. Multiple pathogenic variants are reported downstream of the variant. Therefore, this variant is classified as Likely pathogenic according to the recommendation of ACMG/AMP guideline.

NM_170606.3(KMT2C):c.11806del (p.His3936fs)

Gene: KMT2C (lysine methyltransferase 2C; minus strand). Cytogenetic location: 7q36.1.
Variant type: Deletion.
Coding change: c.11806del on transcript NM_170606.3 (MANE Select); coding-DNA position 11806, one base deleted (C; older notation c.11806delC).
Protein change: p.His3936fs; shifts the reading frame from histidine 3936.
Molecular consequence: frameshift variant.
Genome position (GRCh38, 1-based): chr7:152,156,211, G deleted on the plus strand (C on the coding strand, the reverse complement: KMT2C is on the minus strand); the first of 2 consecutive G bases (chr7:152,156,211-152,156,212); deleting either gives the same sequence. VCF-style (leftmost placement, unchanged base first): chr7-152156210-TG-T. GRCh37 (hg19) VCF-style: chr7-151853295-TG-T.
Other names: short protein forms H3936fs.
Identifiers: ClinVar variation 4292905 (VCV004292905.1).
Genomic context (GRCh38, chr7:152,156,210, plus strand): 5'-CAACTGGCAGAGGCACATTTCTCCGAGGTGTGAAATTTGGAGGCTATAATCATACCTTCA[TG>T]GCTCACTAACACTCCGGCTTTTCCAGCAAGTTCTTCAGTTGTTGCAAAACCATTGGCCAT-3'